The following is an entry in ClinVar:

NM_024675.4(PALB2):c.2498A>C (p.Lys833Thr)

Gene: PALB2 (partner and localizer of BRCA2; minus strand). Cytogenetic location: 16p12.2.
Variant type: single nucleotide variant.
Coding change: c.2498A>C on transcript NM_024675.4 (MANE Select); coding-DNA position 2498, A replaced by C.
Protein change: p.Lys833Thr; replaces lysine 833 with threonine.
Molecular consequence: missense variant. On other transcripts: intron variant (1).
Genome position (GRCh38, 1-based): chr16:23,629,656, T>G on the plus strand (A>C on the coding strand, the complement: PALB2 is on the minus strand). VCF-style: chr16-23629656-T-G. GRCh37 (hg19) VCF-style: chr16-23640977-T-G.
Other names: c.2438A>C, p.Lys813Thr (NM_001407296.1); c.2498A>C, p.Lys833Thr (NM_001407297.1, NM_001407298.1, NM_001407299.1 and 3 more transcripts); c.1613A>C, p.Lys538Thr (NM_001407304.1, NM_001407305.1, NM_001407306.1 and 5 more transcripts); c.710A>C, p.Lys237Thr (NM_001407312.1, NM_001407313.1); c.49-381A>C (NM_001407314.1); short protein forms K237T, K833T, K538T, K813T.
Identifiers: ClinVar variation 2611404 (VCV002611404.2), dbSNP rs2142371753, ClinGen allele CA395123974.

ClinVar aggregate classification (germline): Uncertain significance (1 of 4 stars; one submission).

Conditions:
Hereditary cancer-predisposing syndrome. Also called: Tumor predisposition; Hereditary Cancer Syndrome; Hereditary neoplastic syndrome; Neoplastic Syndromes, Hereditary. Identifiers: Orphanet 140162, MedGen C0027672, MeSH D009386, MONDO:0015356.

Submission:

Ambry Genetics
Classification: Uncertain significance for Hereditary cancer-predisposing syndrome. Last evaluated: 2023-06-21. Review status: criteria provided, single submitter. Criteria: Ambry Variant Classification Scheme 2023. Collection method: clinical testing. Allele origin: germline.
Comment: The p.K833T variant (also known as c.2498A>C), located in coding exon 5 of the PALB2 gene, results from an A to C substitution at nucleotide position 2498. The lysine at codon 833 is replaced by threonine, an amino acid with similar properties. This amino acid position is conserved. In addition, this alteration is predicted to be tolerated by in silico analysis. Since supporting evidence is limited at this time, the clinical significance of this alteration remains unclear.